The following is an entry in ClinVar:

NM_003632.3(CNTNAP1):c.1947C>T (p.Ile649=)

Gene: CNTNAP1 (contactin associated protein 1; plus strand). Cytogenetic location: 17q21.2.
Variant type: single nucleotide variant.
Coding change: c.1947C>T on transcript NM_003632.3 (MANE Select); coding-DNA position 1947, C replaced by T.
Protein change: p.Ile649=; no amino-acid change (isoleucine 649 retained).
Molecular consequence: synonymous variant.
Genome position (GRCh38, 1-based): chr17:42,690,830, C>T. VCF-style: chr17-42690830-C-T. GRCh37 (hg19) VCF-style: chr17-40842848-C-T.
Identifiers: ClinVar variation 2186038 (VCV002186038.29), dbSNP rs142269872, ClinGen allele CA8581925.
Genomic context (GRCh38, chr17:42,690,830, plus strand): 5'-CAGGCTGTGGACAACTCGAGTGACAGGTTCCAGCATGGAGCGGCCATTCCTGGGGGCTAT[C>T]CAGTACTGGAATGCATCCTGGGAGGAAGTCAGTGCCCTTGCCAATGCTTCCCAGCATTGT-3'
Protein context (NP_003623.1, residues 639-659): SSMERPFLGA[Ile649=]QYWNASWEEV

ClinVar aggregate classification (germline): Benign/Likely benign. Review status: criteria provided, multiple submitters, no conflicts (2 of 4 stars). 2 submissions from 2 submitters: Benign (1); Likely benign (1). Last evaluated 2026-01-15.

Allele frequency attached by ClinVar (database versions not stated): ESP Exome Variant Server 0.00008; TOPMed 0.00009; gnomAD 0.00029; 1000 Genomes Project 0.00100; 1000 Genomes Project 30x 0.00109; ExAC 0.00141.
gnomAD v4.1: 917 of 1,614,224 alleles (0.057%); highest among the groups gnomAD compares: South Asian, 0.94%; 18 homozygotes.

Submissions (2):

Labcorp Genetics (formerly Invitae), Labcorp
Classification: Benign. Last evaluated: 2026-01-15. Review status: criteria provided, single submitter. Criteria: Invitae Variant Classification Sherloc (09022015). Collection method: clinical testing. Allele origin: germline.

CeGaT Center for Human Genetics Tuebingen
Classification: Likely benign. Last evaluated: 2023-07-01. Review status: criteria provided, single submitter. Criteria: CeGaT Center For Human Genetics Tuebingen Variant Classification Criteria Version 2. Collection method: clinical testing. Allele origin: germline. Affected: yes. Observed: 1 variant allele.
Comment: CNTNAP1: BP4, BP7, BS2